The following is an entry in ClinVar:

NM_000051.4(ATM):c.1235G>A (p.Trp412Ter)

Gene: ATM (ATM serine/threonine kinase; plus strand). Cytogenetic location: 11q22.3.
Variant type: single nucleotide variant.
Coding change: c.1235G>A on transcript NM_000051.4 (MANE Select); coding-DNA position 1235, G replaced by A.
Protein change: p.Trp412Ter; replaces tryptophan 412 with a stop codon.
Molecular consequence: nonsense.
Genome position (GRCh38, 1-based): chr11:108,249,102, G>A. VCF-style: chr11-108249102-G-A. GRCh37 (hg19) VCF-style: chr11-108119829-G-A.
Other names: p.W412*:TGG>TAG; c.1235G>A, p.Trp412Ter (NM_001351834.2); short protein forms W412*.
Identifiers: ClinVar variation 127334 (VCV000127334.21), dbSNP rs587779813, ClinGen allele CA286720.

ClinVar aggregate classification (germline): Pathogenic. Review status: criteria provided, multiple submitters, no conflicts (2 of 4 stars). 7 submissions from 7 submitters: Pathogenic (6). 1 of the submissions does not count toward it. Last evaluated 2026-02-23.

Conditions:
ATM-related cancer predisposition. Also called: ATM-related cancer susceptibility. Identifiers: MedGen CN377759, MONDO:0700270.
Hereditary cancer-predisposing syndrome. Also called: Hereditary neoplastic syndrome; Hereditary Cancer Syndrome; Neoplastic Syndromes, Hereditary; Tumor predisposition. Identifiers: Orphanet 140162, MedGen C0027672, MeSH D009386, MONDO:0015356.
Familial cancer of breast. Also called: BREAST CANCER, FAMILIAL; hereditary breast carcinoma; Hereditary breast cancer. Identifiers: Orphanet 227535, MedGen C0346153, MONDO:0016419, OMIM 114480. Disease mechanism: loss of function.
Ataxia-telangiectasia syndrome (AT). Also called: Ataxia telangiectasia (A-T); Cerebello-oculocutaneous telangiectasia; Immunodeficiency with ataxia telangiectasia; Ataxia-telangiectasia, complementation group E; LOUIS-BAR SYNDROME; Ataxia-telangiectasia, complementation group D. Identifiers: Orphanet 100, MedGen C0004135, MONDO:0008840, OMIM 208900.
Malignant tumor of breast. Also called: Malignant breast neoplasm; Cancer breast. Identifiers: MedGen C0006142, MONDO:0007254. Disease mechanism: loss of function.

Allele frequency attached by ClinVar (database versions not stated): gnomAD exomes below 0.00001; TOPMed below 0.00001; gnomAD 0.00001.
gnomAD v4.1: 6 of 1,613,576 alleles (0.00037%); highest among the groups gnomAD compares: Non-Finnish European, 0.00051%; no homozygotes.

Submissions (7):

Dasa
Classification: Pathogenic for ATM-related cancer predisposition. Last evaluated: 2026-02-23. Review status: criteria provided, single submitter. Criteria: DASA Assertion Criteria. Collection method: clinical testing. Allele origin: germline.
Comment: NM_000051.4(ATM):c.1235G>A (p.Trp412Ter) introduces a premature termination codon predicted to result in loss of normal protein function. Loss-of-function is an established mechanism of disease for this gene. The variant is present at low frequency in population datasets. Based on the available data, this variant is classified as pathogenic.

Labcorp Genetics (formerly Invitae), Labcorp
Classification: Pathogenic for Ataxia-telangiectasia syndrome. Last evaluated: 2025-10-12. Review status: criteria provided, single submitter. Criteria: Invitae Variant Classification Sherloc (09022015). Collection method: clinical testing. Allele origin: germline.
Comment: This sequence change creates a premature translational stop signal (p.Trp412*) in the ATM gene. It is expected to result in an absent or disrupted protein product. Loss-of-function variants in ATM are known to be pathogenic (PMID: 23807571, 25614872). This variant is present in population databases (rs587779813, gnomAD 0.007%). This premature translational stop signal has been observed in individual(s) with hereditary cancer (PMID: 26681312). ClinVar contains an entry for this variant (Variation ID: 127334). Algorithms developed to predict the effect of sequence changes on RNA splicing suggest that this variant may disrupt the consensus splice site. For these reasons, this variant has been classified as Pathogenic.

GeneDx
Classification: Pathogenic. Last evaluated: 2024-03-15. Review status: criteria provided, single submitter. Criteria: GeneDx Variant Classification Process June 2021. Collection method: clinical testing. Allele origin: germline. Affected: yes.
Comment: Nonsense variant predicted to result in protein truncation or nonsense mediated decay in a gene for which loss of function is a known mechanism of disease; Observed in individuals with breast cancer (PMID: 32885271); Not observed at significant frequency in large population cohorts (gnomAD); Truncating variants in this gene are considered pathogenic by a well-established clinical consortium and/or database; This variant is associated with the following publications: (PMID: 26681312, 12815592, 23807571, 32885271, 25614872)

Myriad Genetics, Inc.
Classification: Pathogenic for Familial cancer of breast. Last evaluated: 2024-01-12. Review status: criteria provided, single submitter. Criteria: Myriad Autosomal Dominant, Autosomal Recessive and X-Linked Classification Criteria (2023). Collection method: clinical testing. Allele origin: unknown.
Comment: This variant is considered pathogenic. This variant creates a termination codon and is predicted to result in premature protein truncation.

Baylor Genetics
Classification: Pathogenic for Familial cancer of breast. Last evaluated: 2024-01-10. Review status: criteria provided, single submitter. Criteria: ACMG Guidelines, 2015. Collection method: clinical testing. Allele origin: unknown.

Ambry Genetics
Classification: Pathogenic for Hereditary cancer-predisposing syndrome. Last evaluated: 2023-10-13. Review status: criteria provided, single submitter. Criteria: Ambry Variant Classification Scheme 2023. Collection method: clinical testing. Allele origin: germline.
Comment: The c.1235G>A pathogenic mutation (also known as p.W412*), located in coding exon 8 of the ATM gene, results from a G to A substitution at nucleotide position 1235. This changes the amino acid from a tryptophan to a stop codon at the end of coding exon 8. This change occurs in the last base pair of coding exon 8, which makes it likely to have some effect on normal mRNA splicing. This variant has been confirmed in trans with an ATM pathogenic variant in an individual diagnosed with clinical features of ataxia-telangiectasia (Kim J et al. Nature, 2023 Jul;619:828-836). This variant was also observed in 1/3251 individuals who met eligibility criteria for hereditary breast and ovarian cancer syndrome. This nucleotide position is highly conserved in available vertebrate species. In silico splice site analysis predicts that this alteration will weaken the native splice donor site. RNA studies have demonstrated that this alteration results in abnormal splicing in the set of samples tested (Ambry internal data). Based on the supporting evidence, this alteration is interpreted as a disease-causing mutation.

Department of Pathology and Laboratory Medicine, Sinai Health System
Classification: Pathogenic for Malignant tumor of breast. Review status: no assertion criteria provided. Collection method: clinical testing. Allele origin: unknown. Affected: yes. Observed: 1 variant allele. Study: The Canadian Open Genetics Repository (COGR). Not counted in ClinVar's aggregate classification.
Comment: The ATM p.Trp412* variant was identified in 1 of 20060 proband chromosomes (frequency: 0.00005) from individuals referred for cancer panel testing (Susswein 2015). The variant was identified in dbSNP (ID: rs587779813) as â€šÃ„ÃºWith pathogenic allele" and ClinVar (classified as pathogenic by GeneDx and Ambry Genetics). The variant was identified in control databases in 1 of 30940 chromosomes at a frequency of 0.00003 (Genome Aggregation Database Feb 27, 2017). The variant was observed in the European population in 1 of 14992 chromosomes (freq: 0.00007), while the variant was not observed in the South Asian, Other, African, Latino, Ashkenazi Jewish, East Asian, or Finnish populations. The p.Trp412* variant leads to a premature stop codon at position 412, which is predicted to lead to a truncated or absent protein and loss of function. Loss of function variants of the ATM gene are an established mechanism of disease in ATM-associated cancer susceptibility and is the type of variant expected to cause the disorder. In summary, based on the above information, this variant meets our laboratoryâ€šÃ„Ã´s criteria to be classified as pathogenic.

Literature cited by the submitters: PubMed 23807571 (cited by Labcorp Genetics (formerly Invitae), Labcorp); PubMed 25614872 (cited by Labcorp Genetics (formerly Invitae), Labcorp); PubMed 26681312 (cited by Labcorp Genetics (formerly Invitae), Labcorp); PubMed 12815592 (cited by Ambry Genetics); PubMed 32885271 (cited by Ambry Genetics); PubMed 32906206 (cited by Ambry Genetics); PubMed 37438524 (cited by Ambry Genetics).